The following is an entry in ClinVar:

NM_033159.4(HYAL1):c.521_524dup (p.Phe175fs)

Gene: HYAL1 (hyaluronidase 1; minus strand). Cytogenetic location: 3p21.31.
Variant type: Duplication.
Coding change: c.521_524dup on transcript NM_033159.4 (MANE Select); coding-DNA positions 521 to 524, 4 bases duplicated (AGTT; older notation c.521_524dupAGTT).
Protein change: p.Phe175fs; shifts the reading frame from phenylalanine 175.
Molecular consequence: frameshift variant. On other transcripts: 5 prime UTR variant (1), non-coding transcript variant (1), intron variant (1).
Genome position (GRCh38, 1-based): chr3:50,302,433-50,302,436, AACT duplicated on the plus strand (AGTT on the coding strand, the reverse complement: HYAL1 is on the minus strand). VCF-style (leftmost placement, unchanged base first): chr3-50302432-G-GAACT. GRCh37 (hg19) VCF-style: chr3-50339863-G-GAACT.
Other names: c.521_524dup, p.Phe175fs (NM_153281.2, NM_153282.3); c.-26_-23dup (NM_153283.3); c.-26-231_-26-228dup (NM_153285.3); short protein forms F175fs.
Identifiers: ClinVar variation 1365687 (VCV001365687.6), dbSNP rs2109307739, ClinGen allele CA2573137214.
Genomic context (GRCh38, chr3:50,302,432, plus strand): 5'-AGGACGCAGTGCCCGCCCCAGCTGGAGGGTGCCTGCCATCCAGGCCCGTGCAGCTCCCTG[G>GAACT]AACTGGTCCTGGGCTACTGCCTCCACCTGAGGAGCTGGCCAATCAGGGTGCTGTGCCTGT-3'

ClinVar aggregate classification (germline): Pathogenic (1 of 4 stars; one submission).

Conditions:
Deficiency of hyaluronoglucosaminidase (MPS9). Also called: HYALURONIDASE DEFICIENCY; Mucopolysaccharidosis type 9; MPS IX. Identifiers: Orphanet 67041, MedGen C1291490, MONDO:0011093, OMIM 601492.

Allele frequency attached by ClinVar (database versions not stated): gnomAD exomes below 0.00001.

Submission:

Labcorp Genetics (formerly Invitae), Labcorp
Classification: Pathogenic for Deficiency of hyaluronoglucosaminidase. Last evaluated: 2022-05-27. Review status: criteria provided, single submitter. Criteria: Invitae Variant Classification Sherloc (09022015). Collection method: clinical testing. Allele origin: germline.
Comment: This sequence change creates a premature translational stop signal (p.Phe175Leufs*33) in the HYAL1 gene. It is expected to result in an absent or disrupted protein product. Loss-of-function variants in HYAL1 are known to be pathogenic (PMID: 10339581, 21559944). This variant is not present in population databases (gnomAD no frequency). This variant has not been reported in the literature in individuals affected with HYAL1-related conditions. For these reasons, this variant has been classified as Pathogenic.

Literature cited by the submitters: PubMed 10339581; PubMed 21559944.